The following is an entry in ClinVar:

NM_021954.4(GJA3):c.563A>C (p.Asn188Thr)

Gene: GJA3 (gap junction protein alpha 3; minus strand). Cytogenetic location: 13q12.11.
Variant type: single nucleotide variant.
Coding change: c.563A>C on transcript NM_021954.4 (MANE Select); coding-DNA position 563, A replaced by C.
Protein change: p.Asn188Thr; replaces asparagine 188 with threonine.
Molecular consequence: missense variant.
Genome position (GRCh38, 1-based): chr13:20,142,726, T>G on the plus strand (A>C on the coding strand, the complement: GJA3 is on the minus strand). VCF-style: chr13-20142726-T-G. GRCh37 (hg19) VCF-style: chr13-20716865-T-G.
Other names: short protein forms N188T.
Identifiers: ClinVar variation 50941 (VCV000050941.2), dbSNP rs140332366, ClinGen allele CA214986.

ClinVar aggregate classification (germline): Likely pathogenic. Review status: criteria provided, single submitter (1 of 4 stars). 2 submissions from 2 submitters: Likely pathogenic (1). 1 of the submissions does not count toward it. Last evaluated 2023-01-21.

Conditions:
Cataract 14 multiple types. Also called: CATARACT 14, NUCLEAR PULVERULENT AND POSTERIOR POLAR; CATARACT 14, NUCLEAR CORALLIFORM; CATARACT 14, EMBRYONAL NUCLEAR; CATARACT 14, COPPOCK-LIKE; CATARACT 14, ZONULAR PULVERULENT; CATARACT 14, NUCLEAR PULVERULENT. Identifiers: Orphanet 91492, MedGen C1866078, MONDO:0011162, OMIM 601885.

Submissions (2):

Dept. Genetics and Cancer, Menzies Institute for Medical Research, University of Tasmania
Classification: Likely pathogenic for Cataract 14 multiple types. Last evaluated: 2023-01-21. Review status: criteria provided, single submitter. Criteria: ACMG Guidelines, 2015. Collection method: curation. Allele origin: germline. Affected: yes.
Comment: Variant identified and curated during a GJA3 specific review of the literature in relation to pediatric or congenital cataract. ACMG-AMP criteria applied: PP1(Strong), PM2(Supporting), PP3. Original variant report: PMID:15448617. The cataract phenotype reported for this variant is: Pulverulent nuclear. Gene review and curation guidelines are outlined in: DOI 10.1080/17469899.2023.2160320

OMIM
Classification: Pathogenic for CATARACT 14, NUCLEAR PULVERULENT. Last evaluated: 2004-09-14. Review status: no assertion criteria provided. Collection method: literature only. Allele origin: germline. Not counted in ClinVar's aggregate classification.

Literature cited by the submitters: PubMed 15448617 (cited by Dept. Genetics and Cancer, Menzies Institute for Medical Research, University of Tasmania and OMIM).